The following is an entry in ClinVar:

ClinVar aggregate classification (germline): Uncertain significance (1 of 4 stars; one submission).

Conditions:
Progressive myoclonic epilepsy type 8. Identifiers: Orphanet 424027, MedGen C5190825, MONDO:0014545, OMIM 616230.

Allele frequency attached by ClinVar (database versions not stated): gnomAD 0.00001; TOPMed 0.00001.
gnomAD v4.1: 3 of 1,217,778 alleles (0.00025%); highest among the groups gnomAD compares: Non-Finnish European, 0.00031%; no homozygotes.

Submission:

Labcorp Genetics (formerly Invitae), Labcorp
Classification: Uncertain significance for Progressive myoclonic epilepsy type 8. Last evaluated: 2023-08-04. Review status: criteria provided, single submitter. Criteria: Invitae Variant Classification Sherloc (09022015). Collection method: clinical testing. Allele origin: germline.
Comment: This sequence change replaces alanine, which is neutral and non-polar, with proline, which is neutral and non-polar, at codon 50 of the CERS1 protein (p.Ala50Pro). This variant is not present in population databases (gnomAD no frequency). This variant has not been reported in the literature in individuals affected with CERS1-related conditions. ClinVar contains an entry for this variant (Variation ID: 1912742). Advanced modeling of protein sequence and biophysical properties (such as structural, functional, and spatial information, amino acid conservation, physicochemical variation, residue mobility, and thermodynamic stability) performed at Invitae indicates that this missense variant is not expected to disrupt CERS1 protein function. In summary, the available evidence is currently insufficient to determine the role of this variant in disease. Therefore, it has been classified as a Variant of Uncertain Significance.

NM_021267.5(CERS1):c.148G>C (p.Ala50Pro)

Genes: CERS1 (ceramide synthase 1; minus strand), GDF1 (growth differentiation factor 1; minus strand). Cytogenetic location: 19p13.11.
Variant type: single nucleotide variant.
Coding change: c.148G>C on transcript NM_021267.5 (MANE Select); coding-DNA position 148, G replaced by C.
Protein change: p.Ala50Pro; replaces alanine 50 with proline.
Molecular consequence: missense variant. On other transcripts: 5 prime UTR variant (4), intron variant (3).
Genome position (GRCh38, 1-based): chr19:18,895,925, C>G on the plus strand (G>C on the coding strand, the complement: CERS1 is on the minus strand). VCF-style: chr19-18895925-C-G. GRCh37 (hg19) VCF-style: chr19-19006734-C-G.
Other names: c.148G>C, p.Ala50Pro (NM_001387439.1, NM_001387440.1, NM_001387441.1 and 1 more transcripts); c.-381G>C (NM_001387444.1); c.-328G>C (NM_001387445.1); c.-755G>C (NM_001387438.1); c.-1175G>C (NM_001492.6); c.-46+801G>C (NM_001387443.1); c.-46+636G>C (NM_001387442.1, NM_001290265.2); short protein forms A50P.
Identifiers: ClinVar variation 1912742 (VCV001912742.5), dbSNP rs948253146, ClinGen allele CA306258884.